The following is an entry in ClinVar:

ClinVar aggregate classification (germline): Uncertain significance. Review status: criteria provided, multiple submitters, no conflicts (2 of 4 stars). 3 submissions from 3 submitters: Uncertain significance (3). Last evaluated 2025-05-05.

Conditions:
Pheochromocytoma/paraganglioma syndrome 5. Also called: Paragangliomas 5; SDHA-Related Hereditary Paraganglioma-Pheochromocytoma Syndrome. Identifiers: Orphanet 29072, MedGen C3279992, MONDO:0013602, OMIM 614165.
Mitochondrial complex II deficiency, nuclear type 1. Also called: SUCCINATE CoQ REDUCTASE DEFICIENCY. Identifiers: Orphanet 3208, MedGen C5700310, MONDO:0100294, OMIM 252011.
Dilated cardiomyopathy 1GG (CMD1GG). Identifiers: Orphanet 154, MedGen C3150898, MONDO:0013339, OMIM 613642.
Hereditary cancer-predisposing syndrome. Also called: Tumor predisposition; Hereditary neoplastic syndrome; Neoplastic Syndromes, Hereditary; Hereditary Cancer Syndrome. Identifiers: Orphanet 140162, MedGen C0027672, MeSH D009386, MONDO:0015356.

Allele frequency attached by ClinVar (database versions not stated): ExAC 0.00002.

Submissions (3):

Labcorp Genetics (formerly Invitae), Labcorp
Classification: Uncertain significance for Pheochromocytoma/paraganglioma syndrome 5; Mitochondrial complex II deficiency, nuclear type 1. Last evaluated: 2025-05-05. Review status: criteria provided, single submitter. Criteria: Invitae Variant Classification Sherloc (09022015). Collection method: clinical testing. Allele origin: germline.
Comment: This sequence change replaces glycine, which is neutral and non-polar, with arginine, which is basic and polar, at codon 354 of the SDHA protein (p.Gly354Arg). This variant is present in population databases (rs746611221, gnomAD 0.006%). This variant has not been reported in the literature in individuals affected with SDHA-related conditions. ClinVar contains an entry for this variant (Variation ID: 818320). Invitae Evidence Modeling of protein sequence and biophysical properties (such as structural, functional, and spatial information, amino acid conservation, physicochemical variation, residue mobility, and thermodynamic stability) has been performed for this missense variant. However, the output from this modeling did not meet the statistical confidence thresholds required to predict the impact of this variant on SDHA protein function. In summary, the available evidence is currently insufficient to determine the role of this variant in disease. Therefore, it has been classified as a Variant of Uncertain Significance.

Ambry Genetics
Classification: Uncertain significance for Hereditary cancer-predisposing syndrome. Last evaluated: 2025-01-18. Review status: criteria provided, single submitter. Criteria: Ambry Variant Classification Scheme 2023. Collection method: clinical testing. Allele origin: germline.
Comment: The p.G354R variant (also known as c.1060G>A), located in coding exon 8 of the SDHA gene, results from a G to A substitution at nucleotide position 1060. The glycine at codon 354 is replaced by arginine, an amino acid with dissimilar properties. This amino acid position is highly conserved in available vertebrate species. In addition, this alteration is predicted to be deleterious by in silico analysis. Since supporting evidence is limited at this time, the clinical significance of this alteration remains unclear.

Baylor Genetics
Classification: Uncertain significance for Dilated cardiomyopathy 1GG. Last evaluated: 2023-10-10. Review status: criteria provided, single submitter. Criteria: ACMG Guidelines, 2015. Collection method: clinical testing. Allele origin: unknown.

NM_004168.4(SDHA):c.1060G>A (p.Gly354Arg)

Gene: SDHA (succinate dehydrogenase complex flavoprotein subunit A; plus strand). Cytogenetic location: 5p15.33.
Variant type: single nucleotide variant.
Coding change: c.1060G>A on transcript NM_004168.4 (MANE Select); coding-DNA position 1060, G replaced by A.
Protein change: p.Gly354Arg; replaces glycine 354 with arginine.
Molecular consequence: missense variant.
Genome position (GRCh38, 1-based): chr5:233,641, G>A. VCF-style: chr5-233641-G-A. GRCh37 (hg19) VCF-style: chr5-233756-G-A.
Other names: c.916G>A, p.Gly306Arg (NM_001294332.2); c.1060G>A, p.Gly354Arg (NM_001330758.2); short protein forms G306R, G354R.
Identifiers: ClinVar variation 818320 (VCV000818320.11), dbSNP rs746611221, ClinGen allele CA3173075.